The following is an entry in ClinVar:

NM_001378156.1(C1QB):c.551G>A (p.Arg184His)

Gene: C1QB (complement C1q B chain; plus strand). Cytogenetic location: 1p36.12.
Variant type: single nucleotide variant.
Coding change: c.551G>A on transcript NM_001378156.1 (MANE Select); coding-DNA position 551, G replaced by A.
Protein change: p.Arg184His; replaces arginine 184 with histidine.
Molecular consequence: missense variant.
Genome position (GRCh38, 1-based): chr1:22,661,181, G>A. VCF-style: chr1-22661181-G-A. GRCh37 (hg19) VCF-style: chr1-22987674-G-A.
Other names: c.557G>A, p.Arg186His (NM_000491.5); c.551G>A, p.Arg184His (NM_001371184.3); short protein forms R184H, R186H.
Identifiers: ClinVar variation 1421417 (VCV001421417.3), dbSNP rs200910322, ClinGen allele CA678187.

ClinVar aggregate classification (germline): Uncertain significance (1 of 4 stars; one submission).

Allele frequency attached by ClinVar (database versions not stated): gnomAD 0.00003; TOPMed 0.00005; gnomAD exomes 0.00007 and 0.00008; ExAC 0.00009; 1000 Genomes Project 30x 0.00016; 1000 Genomes Project 0.00020.
gnomAD v4.1: 121 of 1,614,104 alleles (0.0075%); highest among the groups gnomAD compares: East Asian, 0.027%; no homozygotes.

Submission:

Labcorp Genetics (formerly Invitae), Labcorp
Classification: Uncertain significance. Last evaluated: 2022-02-24. Review status: criteria provided, single submitter. Criteria: Invitae Variant Classification Sherloc (09022015). Collection method: clinical testing. Allele origin: germline.
Comment: This sequence change replaces arginine, which is basic and polar, with histidine, which is basic and polar, at codon 186 of the C1QB protein (p.Arg186His). This variant is present in population databases (rs200910322, gnomAD 0.03%). This variant has not been reported in the literature in individuals affected with C1QB-related conditions. Algorithms developed to predict the effect of missense changes on protein structure and function (SIFT, PolyPhen-2, Align-GVGD) all suggest that this variant is likely to be tolerated. In summary, the available evidence is currently insufficient to determine the role of this variant in disease. Therefore, it has been classified as a Variant of Uncertain Significance.